The following is an entry in ClinVar:

ClinVar aggregate classification (germline): Uncertain significance (1 of 4 stars; one submission).

Conditions:
IRAK1-related disorder. Also called: IRAK1-related condition.

gnomAD v4.1: 5 of 1,207,835 alleles (0.00041%); highest among the groups gnomAD compares: Non-Finnish European, 0.00056%; no homozygotes.

Submission:

PreventionGenetics, part of Exact Sciences
Classification: Uncertain significance for IRAK1-related condition. Last evaluated: 2024-11-22. Review status: criteria provided, single submitter. Criteria: ACMG Guidelines, 2015. Collection method: clinical testing. Allele origin: germline.
Comment: The IRAK1 c.500T>C variant is predicted to result in the amino acid substitution p.Leu167Pro. To our knowledge, this variant has not been reported in the literature or in a large population database (gnomAD), indicating this variant is rare. At this time, the clinical significance of this variant is uncertain due to the absence of conclusive functional and genetic evidence.

NM_001569.4(IRAK1):c.500T>C (p.Leu167Pro)

Gene: IRAK1 (interleukin 1 receptor associated kinase 1; minus strand). Cytogenetic location: Xq28.
Variant type: single nucleotide variant.
Coding change: c.500T>C on transcript NM_001569.4 (MANE Select); coding-DNA position 500, T replaced by C.
Protein change: p.Leu167Pro; replaces leucine 167 with proline.
Molecular consequence: missense variant.
Genome position (GRCh38, 1-based): chrX:154,019,015, A>G on the plus strand (T>C on the coding strand, the complement: IRAK1 is on the minus strand). VCF-style: chrX-154019015-A-G. GRCh37 (hg19) VCF-style: chrX-153284466-A-G.
Other names: c.500T>C, p.Leu167Pro (NM_001025242.2, NM_001025243.2); c.578T>C, p.Leu193Pro (NM_001410701.1); short protein forms L167P, L193P.
Identifiers: ClinVar variation 4986535 (VCV004986535.1).